The following is an entry in ClinVar:

ClinVar aggregate classification (germline): Uncertain significance (1 of 4 stars; one submission).

Conditions:
Fanconi anemia (FA). Also called: Fanconi's anemia. Identifiers: Orphanet 84, MedGen C0015625, MeSH D005199, MONDO:0019391.

Submission:

Labcorp Genetics (formerly Invitae), Labcorp
Classification: Uncertain significance for Fanconi anemia. Last evaluated: 2018-11-08. Review status: criteria provided, single submitter. Criteria: Invitae Variant Classification Sherloc (09022015). Collection method: clinical testing. Allele origin: germline.
Comment: In summary, the available evidence is currently insufficient to determine the role of this variant in disease. Therefore, it has been classified as a Variant of Uncertain Significance. Algorithms developed to predict the effect of missense changes on protein structure and function (SIFT, PolyPhen-2, Align-GVGD) all suggest that this variant is likely to be tolerated, but these predictions have not been confirmed by published functional studies and their clinical significance is uncertain. This variant has not been reported in the literature in individuals with SLX4-related disease. This variant is not present in population databases (ExAC no frequency). This sequence change replaces phenylalanine with tyrosine at codon 1117 of the SLX4 protein (p.Phe1117Tyr). The phenylalanine residue is weakly conserved and there is a small physicochemical difference between phenylalanine and tyrosine.

NM_032444.4(SLX4):c.3350T>A (p.Phe1117Tyr)

Gene: SLX4 (SLX4 structure-specific endonuclease subunit; minus strand). Cytogenetic location: 16p13.3.
Variant type: single nucleotide variant.
Coding change: c.3350T>A on transcript NM_032444.4 (MANE Select); coding-DNA position 3350, T replaced by A.
Protein change: p.Phe1117Tyr; replaces phenylalanine 1117 with tyrosine.
Molecular consequence: missense variant.
Genome position (GRCh38, 1-based): chr16:3,590,288, A>T on the plus strand (T>A on the coding strand, the complement: SLX4 is on the minus strand). VCF-style: chr16-3590288-A-T. GRCh37 (hg19) VCF-style: chr16-3640289-A-T.
Other names: c.3350T>A (LRG_503t1); short protein forms F1117Y.
Identifiers: ClinVar variation 652748 (VCV000652748.8), dbSNP rs1596521648, ClinGen allele CA394520325.